The following is an entry in ClinVar:

ClinVar aggregate classification (germline): Uncertain significance. Review status: criteria provided, multiple submitters, no conflicts (2 of 4 stars). 2 submissions from 2 submitters: Uncertain significance (2). Last evaluated 2025-01-09.

Conditions:
Peroxisome biogenesis disorder 7A (Zellweger). Also called: Peroxisome biogenesis disorder 7A. Identifiers: Orphanet 912, MedGen C3888385, MONDO:0013938, OMIM 614872.
Peroxisome biogenesis disorder 7B (PBD7B). Identifiers: Orphanet 44, MedGen C3553951, MONDO:0013939, OMIM 614873.
Inborn genetic diseases. Identifiers: MedGen C0950123, MeSH D030342.

Allele frequency attached by ClinVar (database versions not stated): gnomAD exomes 0.00001; ExAC 0.00002; TOPMed below 0.00001.
gnomAD v4.1: 8 of 1,614,104 alleles (0.0005%); highest among the groups gnomAD compares: South Asian, 0.0055%; no homozygotes.

Submissions (2):

Ambry Genetics
Classification: Uncertain significance for Inborn genetic diseases. Last evaluated: 2025-01-09. Review status: criteria provided, single submitter. Criteria: Ambry Variant Classification Scheme 2023. Collection method: clinical testing. Allele origin: germline.

Labcorp Genetics (formerly Invitae), Labcorp
Classification: Uncertain significance for Peroxisome biogenesis disorder 7A (Zellweger); Peroxisome biogenesis disorder 7B. Last evaluated: 2022-08-06. Review status: criteria provided, single submitter. Criteria: Invitae Variant Classification Sherloc (09022015). Collection method: clinical testing. Allele origin: germline.
Comment: This sequence change replaces cysteine, which is neutral and slightly polar, with serine, which is neutral and polar, at codon 263 of the PEX26 protein (p.Cys263Ser). This variant is present in population databases (rs770160225, gnomAD 0.006%). This variant has not been reported in the literature in individuals affected with PEX26-related conditions. ClinVar contains an entry for this variant (Variation ID: 1483512). Algorithms developed to predict the effect of missense changes on protein structure and function are either unavailable or do not agree on the potential impact of this missense change (SIFT: "Tolerated"; PolyPhen-2: "Probably Damaging"; Align-GVGD: "Class C0"). In summary, the available evidence is currently insufficient to determine the role of this variant in disease. Therefore, it has been classified as a Variant of Uncertain Significance.

NM_001127649.3(PEX26):c.788G>C (p.Cys263Ser)

Gene: PEX26 (peroxisomal biogenesis factor 26; plus strand). Cytogenetic location: 22q11.21.
Variant type: single nucleotide variant.
Coding change: c.788G>C on transcript NM_001127649.3 (MANE Select); coding-DNA position 788, G replaced by C.
Protein change: p.Cys263Ser; replaces cysteine 263 with serine.
Molecular consequence: missense variant. On other transcripts: intron variant (1).
Genome position (GRCh38, 1-based): chr22:18,085,232, G>C. VCF-style: chr22-18085232-G-C. GRCh37 (hg19) VCF-style: chr22-18567998-G-C.
Other names: c.788G>C, p.Cys263Ser (NM_017929.6); c.667+1500G>C (NM_001199319.2); c.788G>C (NM_017929.5); short protein forms C263S.
Identifiers: ClinVar variation 1483512 (VCV001483512.6), dbSNP rs770160225, ClinGen allele CA10093411.